The following is an entry in ClinVar:

NM_000292.3(PHKA2):c.78+10G>A

Gene: PHKA2 (phosphorylase kinase regulatory subunit alpha 2; minus strand). Cytogenetic location: Xp22.13.
Variant type: single nucleotide variant.
Coding change: c.78+10G>A on transcript NM_000292.3 (MANE Select); 10 bases into the intron after coding-DNA position 78, G replaced by A.
Molecular consequence: intron variant.
Genome position (GRCh38, 1-based): chrX:18,983,845, C>T on the plus strand (G>A on the coding strand, the complement: PHKA2 is on the minus strand). VCF-style: chrX-18983845-C-T. GRCh37 (hg19) VCF-style: chrX-19001963-C-T.
Identifiers: ClinVar variation 390003 (VCV000390003.4), dbSNP rs757929891, ClinGen allele CA10362202.

ClinVar aggregate classification (germline): Likely benign. Review status: criteria provided, multiple submitters, no conflicts (2 of 4 stars). 3 submissions from 3 submitters: Likely benign (2). 1 of the submissions does not count toward it. Last evaluated 2025-04-14.

Conditions:
PHKA2-related disorder. Also called: PHKA2-related condition.
Glycogen storage disease IXa1. Also called: GLYCOGEN STORAGE DISEASE VIII; GSD VIII; Glycogen storage disease 8; LIVER GLYCOGENOSIS, X-LINKED, TYPE I. Identifiers: Orphanet 264580, MedGen C3694531, MONDO:0010598, OMIM 306000.

Allele frequency attached by ClinVar (database versions not stated): ExAC 0.00001; gnomAD exomes 0.00003 and 0.00012; gnomAD 0.00006 and 0.00007; TOPMed 0.00008.
gnomAD v4.1: 140 of 1,199,951 alleles (0.012%); highest among the groups gnomAD compares: Non-Finnish European, 0.015%; no homozygotes.

Submissions (3):

Labcorp Genetics (formerly Invitae), Labcorp
Classification: Likely benign for Glycogen storage disease IXa1. Last evaluated: 2025-04-14. Review status: criteria provided, single submitter. Criteria: Invitae Variant Classification Sherloc (09022015). Collection method: clinical testing. Allele origin: germline.

GeneDx
Classification: Likely benign. Last evaluated: 2016-10-19. Review status: criteria provided, single submitter. Criteria: GeneDx Variant Classification (06012015). Collection method: clinical testing. Allele origin: germline. Affected: yes.
Comment: This variant is considered likely benign or benign based on one or more of the following criteria: it is a conservative change, it occurs at a poorly conserved position in the protein, it is predicted to be benign by multiple in silico algorithms, and/or has population frequency not consistent with disease.

PreventionGenetics, part of Exact Sciences
Classification: Likely benign for PHKA2-related condition. Last evaluated: 2019-09-17. Review status: no assertion criteria provided. Collection method: clinical testing. Allele origin: germline. Not counted in ClinVar's aggregate classification.
Comment: This variant is classified as likely benign based on ACMG/AMP sequence variant interpretation guidelines (Richards et al. 2015 PMID: 25741868, with internal and published modifications).